The following is an entry in ClinVar:

ClinVar aggregate classification (germline): Uncertain significance (1 of 4 stars; one submission).

Conditions:
Inborn genetic diseases. Identifiers: MedGen C0950123, MeSH D030342.

Submission:

Ambry Genetics
Classification: Uncertain significance for Inborn genetic diseases. Last evaluated: 2025-09-10. Review status: criteria provided, single submitter. Criteria: Ambry Variant Classification Scheme 2023. Collection method: clinical testing. Allele origin: germline.
Comment: The p.K904R variant (also known as c.2711A>G), located in coding exon 28 of the RTEL1 gene, results from an A to G substitution at nucleotide position 2711. The lysine at codon 904 is replaced by arginine, an amino acid with highly similar properties. This amino acid position is conserved. In addition, this alteration is predicted to be tolerated by in silico analysis. Based on the available evidence, the clinical significance of this variant remains unclear.

NM_001283009.2(RTEL1):c.2711A>G (p.Lys904Arg)

Genes: RTEL1 (regulator of telomere elongation helicase 1; plus strand), RTEL1-TNFRSF6B (RTEL1-TNFRSF6B readthrough (NMD candidate); plus strand). Cytogenetic location: 20q13.33.
Variant type: single nucleotide variant.
Coding change: c.2711A>G on transcript NM_001283009.2 (MANE Select); coding-DNA position 2711, A replaced by G.
Protein change: p.Lys904Arg; replaces lysine 904 with arginine.
Molecular consequence: missense variant. On other transcripts: non-coding transcript variant (1).
Genome position (GRCh38, 1-based): chr20:63,692,863, A>G. VCF-style: chr20-63692863-A-G. GRCh37 (hg19) VCF-style: chr20-62324216-A-G.
Other names: c.2042A>G, p.Lys681Arg (NM_001283010.1); c.2711A>G, p.Lys904Arg (NM_016434.4); c.2783A>G, p.Lys928Arg (NM_032957.5); short protein forms K681R, K928R, K904R.
Identifiers: ClinVar variation 4157732 (VCV004157732.1).